The following is an entry in ClinVar:

ClinVar aggregate classification (germline): Likely benign. Review status: criteria provided, multiple submitters, no conflicts (2 of 4 stars). 4 submissions from 4 submitters: Likely benign (4). Last evaluated 2023-12-13.

Conditions:
Familial thoracic aortic aneurysm and aortic dissection (TAAD). Also called: Thoracic aortic aneurysms and dissections. Identifiers: Orphanet 91387, MedGen C4707243, MONDO:0019625.
Aortic aneurysm, familial thoracic 4 (AAT4). Also called: AORTIC ANEURYSM/AORTIC DISSECTION AND PATENT DUCTUS ARTERIOSUS. Identifiers: MedGen C1851504, MONDO:0007568, OMIM 132900.

Allele frequency attached by ClinVar (database versions not stated): gnomAD exomes below 0.00001; gnomAD 0.00001.
gnomAD v4.1: 31 of 1,613,776 alleles (0.0019%); highest among the groups gnomAD compares: Non-Finnish European, 0.0025%; no homozygotes.

Submissions (4):

All of Us Research Program, National Institutes of Health
Classification: Likely benign for Familial thoracic aortic aneurysm and aortic dissection. Last evaluated: 2023-12-13. Review status: criteria provided, single submitter. Criteria: ACMG Guidelines, 2015. Collection method: clinical testing. Allele origin: germline. Inheritance: Autosomal dominant inheritance. Observed: 5 variant alleles, 5 heterozygotes.
Comment: This study involves interpretation of variants in research participants for the purpose of population health screening. Participant phenotype was not available at the time of variant classification. Additional details can be found in publication PMID: 35346344, PMCID: PMC8962531

Color Diagnostics, LLC DBA Color Health
Classification: Likely benign for Familial thoracic aortic aneurysm and aortic dissection. Last evaluated: 2021-11-19. Review status: criteria provided, single submitter. Criteria: ACMG Guidelines, 2015. Collection method: clinical testing. Allele origin: germline.

Labcorp Genetics (formerly Invitae), Labcorp
Classification: Likely benign for Aortic aneurysm, familial thoracic 4. Last evaluated: 2021-04-12. Review status: criteria provided, single submitter. Criteria: Invitae Variant Classification Sherloc (09022015). Collection method: clinical testing. Allele origin: germline.

Ambry Genetics
Classification: Likely benign for Familial thoracic aortic aneurysm and aortic dissection. Last evaluated: 2020-02-01. Review status: criteria provided, single submitter. Criteria: Ambry Variant Classification Scheme 2023. Collection method: clinical testing. Allele origin: germline.

NM_002474.3(MYH11):c.3018G>A (p.Glu1006=)

Gene: MYH11 (myosin heavy chain 11; minus strand). Cytogenetic location: 16p13.11.
Variant type: single nucleotide variant.
Coding change: c.3018G>A on transcript NM_002474.3 (MANE Select); coding-DNA position 3018, G replaced by A.
Protein change: p.Glu1006=; no amino-acid change (glutamic acid 1006 retained).
Molecular consequence: synonymous variant.
Genome position (GRCh38, 1-based): chr16:15,738,668, C>T on the plus strand (G>A on the coding strand, the complement: MYH11 is on the minus strand). VCF-style: chr16-15738668-C-T. GRCh37 (hg19) VCF-style: chr16-15832525-C-T.
Other names: c.3039G>A, p.Glu1013= (NM_001040113.2, NM_001040114.2); c.3018G>A, p.Glu1006= (NM_022844.3).
Identifiers: ClinVar variation 1538504 (VCV001538504.12), dbSNP rs1469418234, ClinGen allele CA493783924.